The following is an entry in ClinVar:

NM_004006.3(DMD):c.1602+4A>C

Gene: DMD (dystrophin; minus strand). Cytogenetic location: Xp21.1.
Variant type: single nucleotide variant.
Coding change: c.1602+4A>C on transcript NM_004006.3 (MANE Select); 4 bases into the intron after coding-DNA position 1602, A replaced by C.
Molecular consequence: intron variant.
Genome position (GRCh38, 1-based): chrX:32,595,753, T>G on the plus strand (A>C on the coding strand, the complement: DMD is on the minus strand). VCF-style: chrX-32595753-T-G. GRCh37 (hg19) VCF-style: chrX-32613870-T-G.
Other names: c.1578+4A>C (NM_000109.4); c.1590+4A>C (NM_004009.3); c.1233+4A>C (NM_004010.3).
Identifiers: ClinVar variation 1402195 (VCV001402195.6), dbSNP rs2149264363, ClinGen allele CA2573158837.

ClinVar aggregate classification (germline): Uncertain significance (1 of 4 stars; one submission).

Conditions:
Duchenne muscular dystrophy (DMD). Also called: MUSCULAR DYSTROPHY, PSEUDOHYPERTROPHIC PROGRESSIVE, DUCHENNE TYPE; Duchenne Muscular Dystrophy (DMD). Identifiers: Orphanet 98896, MedGen C0013264, MONDO:0010679, OMIM 310200.

gnomAD v4.1: 2 of 1,210,477 alleles (0.00017%); highest among the groups gnomAD compares: Non-Finnish European, 0.00022%; no homozygotes.

Submission:

Labcorp Genetics (formerly Invitae), Labcorp
Classification: Uncertain significance for Duchenne muscular dystrophy. Last evaluated: 2021-06-21. Review status: criteria provided, single submitter. Criteria: Invitae Variant Classification Sherloc (09022015). Collection method: clinical testing. Allele origin: germline.
Comment: This sequence change falls in intron 13 of the DMD gene. It does not directly change the encoded amino acid sequence of the DMD protein. It affects a nucleotide within the consensus splice site of the intron. This variant is not present in population databases (ExAC no frequency). This variant has not been reported in the literature in individuals with DMD-related conditions. Nucleotide substitutions within the consensus splice site are a relatively common cause of aberrant splicing (PMID: 17576681, 9536098). Algorithms developed to predict the effect of sequence changes on RNA splicing suggest that this variant may disrupt the consensus splice site, but this prediction has not been confirmed by published transcriptional studies. In summary, the available evidence is currently insufficient to determine the role of this variant in disease. Therefore, it has been classified as a Variant of Uncertain Significance.

Literature cited by the submitters: PubMed 17576681; PubMed 9536098.